The following is an entry in ClinVar:

NM_003072.5(SMARCA4):c.4821C>G (p.Asp1607Glu)

Gene: SMARCA4 (SWI/SNF related BAF chromatin remodeling complex subunit ATPase 4; plus strand). Cytogenetic location: 19p13.2.
Variant type: single nucleotide variant.
Coding change: c.4821C>G on transcript NM_003072.5 (MANE Select); coding-DNA position 4821, C replaced by G.
Protein change: p.Asp1607Glu; replaces aspartic acid 1607 with glutamic acid.
Molecular consequence: missense variant. On other transcripts: non-coding transcript variant (1).
Genome position (GRCh38, 1-based): chr19:11,060,097, C>G. VCF-style: chr19-11060097-C-G. GRCh37 (hg19) VCF-style: chr19-11170773-C-G.
Other names: c.4821C>G, p.Asp1607Glu (NM_001128844.3); c.4731C>G, p.Asp1577Glu (NM_001128845.2); c.4728C>G, p.Asp1576Glu (NM_001128846.2); c.4722C>G, p.Asp1574Glu (NM_001128847.4, NM_001374457.1); c.4719C>G, p.Asp1573Glu (NM_001128848.2); c.4917C>G, p.Asp1639Glu (NM_001128849.3); short protein forms D1573E, D1577E, D1607E, D1576E, D1639E, D1574E.
Identifiers: ClinVar variation 972032 (VCV000972032.13), dbSNP rs2076776364, ClinGen allele CA404080542.

ClinVar aggregate classification (germline): Uncertain significance. Review status: criteria provided, multiple submitters, no conflicts (2 of 4 stars). 2 submissions from 2 submitters: Uncertain significance (2). Last evaluated 2025-12-29.

Conditions:
Hereditary cancer-predisposing syndrome. Also called: Neoplastic Syndromes, Hereditary; Hereditary Cancer Syndrome; Tumor predisposition; Hereditary neoplastic syndrome. Identifiers: Orphanet 140162, MedGen C0027672, MeSH D009386, MONDO:0015356.
Rhabdoid tumor predisposition syndrome 2 (RTPS2). Identifiers: Orphanet 231108, Orphanet 69077, MedGen C2750074, MONDO:0013224, OMIM 613325.

Submissions (2):

Labcorp Genetics (formerly Invitae), Labcorp
Classification: Uncertain significance for Rhabdoid tumor predisposition syndrome 2. Last evaluated: 2025-12-29. Review status: criteria provided, single submitter. Criteria: Invitae Variant Classification Sherloc (09022015). Collection method: clinical testing. Allele origin: germline.
Comment: This sequence change replaces aspartic acid, which is acidic and polar, with glutamic acid, which is acidic and polar, at codon 1639 of the SMARCA4 protein (p.Asp1639Glu). This variant is not present in population databases (gnomAD no frequency). This variant has not been reported in the literature in individuals affected with SMARCA4-related conditions. ClinVar contains an entry for this variant (Variation ID: 972032). An algorithm developed to predict the effect of missense changes on protein structure and function outputs the following: PolyPhen-2: "Benign". The glutamic acid amino acid residue is found in multiple mammalian species, which suggests that this missense change does not adversely affect protein function. In summary, the available evidence is currently insufficient to determine the role of this variant in disease. Therefore, it has been classified as a Variant of Uncertain Significance.

Ambry Genetics
Classification: Uncertain significance for Hereditary cancer-predisposing syndrome. Last evaluated: 2025-12-02. Review status: criteria provided, single submitter. Criteria: Ambry Variant Classification Scheme 2023. Collection method: clinical testing. Allele origin: germline.
Comment: The p.D1639E variant (also known as c.4917C>G), located in coding exon 34 of the SMARCA4 gene, results from a C to G substitution at nucleotide position 4917. The aspartic acid at codon 1639 is replaced by glutamic acid, an amino acid with highly similar properties. This amino acid position is not well conserved in available vertebrate species. In addition, this alteration is predicted to be tolerated by in silico analysis. Missense and in-frame variants in SMARCA4 are known to cause neurodevelopmental disorders; however, such associations with rhabdoid tumor predisposition syndrome including small cell carcinoma of the ovary-hypercalcemic type (SCCOHT) are exceedingly rare (Kosho T et al. Am J Med Genet C Semin Med Genet. 2014 Sep;166C(3):262-75; Jelinic P et al. Nat Genet. 2014 May;46(5):424-6). Based on the supporting evidence, the association of this alteration with Coffin-Siris syndrome is unknown; however, the association of this alteration with rhabdoid tumor predisposition syndrome is unlikely.